The following is an entry in ClinVar:

ClinVar aggregate classification (germline): Uncertain significance (1 of 4 stars; one submission).

Conditions:
Brown-Vialetto-van Laere syndrome 2. Also called: Riboflavin transporter deficiency type 2; SPINOCEREBELLAR ATAXIA WITH BLINDNESS AND DEAFNESS 2. Identifiers: Orphanet 572543, Orphanet 97229, MedGen C3553538, MONDO:0013867, OMIM 614707.

Allele frequency attached by ClinVar (database versions not stated): gnomAD exomes below 0.00001 and 0.00001.
gnomAD v4.1: 14 of 1,613,338 alleles (0.00087%); highest among the groups gnomAD compares: African/African-American, 0.0013%; no homozygotes.

Submission:

Labcorp Genetics (formerly Invitae), Labcorp
Classification: Uncertain significance for Brown-Vialetto-van Laere syndrome 2. Last evaluated: 2025-07-07. Review status: criteria provided, single submitter. Criteria: Invitae Variant Classification Sherloc (09022015). Collection method: clinical testing. Allele origin: germline.
Comment: This sequence change replaces valine, which is neutral and non-polar, with methionine, which is neutral and non-polar, at codon 414 of the SLC52A2 protein (p.Val414Met). This variant is present in population databases (no rsID available, gnomAD 0.0009%). This variant has not been reported in the literature in individuals affected with SLC52A2-related conditions. ClinVar contains an entry for this variant (Variation ID: 580082). Invitae Evidence Modeling of protein sequence and biophysical properties (such as structural, functional, and spatial information, amino acid conservation, physicochemical variation, residue mobility, and thermodynamic stability) indicates that this missense variant is not expected to disrupt SLC52A2 protein function with a negative predictive value of 95%. Algorithms developed to predict the effect of sequence changes on RNA splicing suggest that this variant may create or strengthen a splice site. In summary, the available evidence is currently insufficient to determine the role of this variant in disease. Therefore, it has been classified as a Variant of Uncertain Significance.

NM_001363118.2(SLC52A2):c.1240G>A (p.Val414Met)

Gene: SLC52A2 (solute carrier family 52 member 2; plus strand). Cytogenetic location: 8q24.3.
Variant type: single nucleotide variant.
Coding change: c.1240G>A on transcript NM_001363118.2 (MANE Select); coding-DNA position 1240, G replaced by A.
Protein change: p.Val414Met; replaces valine 414 with methionine.
Molecular consequence: missense variant. On other transcripts: non-coding transcript variant (1).
Genome position (GRCh38, 1-based): chr8:144,360,917, G>A. VCF-style: chr8-144360917-G-A. GRCh37 (hg19) VCF-style: chr8-145584577-G-A.
Other names: c.1240G>A, p.Val414Met (NM_001253815.2, NM_001253816.2, NM_001363120.2 and 2 more transcripts); c.748G>A, p.Val250Met (NM_001363122.2); short protein forms V414M, V250M.
Identifiers: ClinVar variation 580082 (VCV000580082.4), dbSNP rs1554854625, ClinGen allele CA372630156.